The following is an entry in ClinVar:

NM_174941.6(CD163L1):c.3163G>A (p.Gly1055Ser)

Gene: CD163L1 (CD163 molecule like 1; minus strand). Cytogenetic location: 12p13.31.
Variant type: single nucleotide variant.
Coding change: c.3163G>A on transcript NM_174941.6 (MANE Select); coding-DNA position 3163, G replaced by A.
Protein change: p.Gly1055Ser; replaces glycine 1055 with serine.
Molecular consequence: missense variant.
Genome position (GRCh38, 1-based): chr12:7,374,688, C>T on the plus strand (G>A on the coding strand, the complement: CD163L1 is on the minus strand). VCF-style: chr12-7374688-C-T. GRCh37 (hg19) VCF-style: chr12-7527284-C-T.
Other names: c.3193G>A, p.Gly1065Ser (NM_001297650.2); short protein forms G1055S, G1065S.
Identifiers: ClinVar variation 2642679 (VCV002642679.24), dbSNP rs36206713, ClinGen allele CA6427456.

ClinVar aggregate classification (germline): Likely benign (1 of 4 stars; one submission).

Allele frequency attached by ClinVar (database versions not stated): 1000 Genomes Project 30x 0.00203; 1000 Genomes Project 0.00240; TOPMed 0.00476; ESP Exome Variant Server 0.00623; gnomAD 0.00628; ExAC 0.00653; gnomAD exomes 0.00717.
gnomAD v4.1: 11,360 of 1,614,200 alleles (0.7%); highest among the groups gnomAD compares: Middle Eastern, 1.4%; 59 homozygotes.

Submission:

CeGaT Center for Human Genetics Tuebingen
Classification: Likely benign. Last evaluated: 2024-02-01. Review status: criteria provided, single submitter. Criteria: CeGaT Center For Human Genetics Tuebingen Variant Classification Criteria Version 2. Collection method: clinical testing. Allele origin: germline. Affected: yes. Observed: 2 variant alleles.
Comment: CD163L1: BP4, BS2